The following is an entry in ClinVar:

ClinVar aggregate classification (germline): Likely benign. Review status: criteria provided, multiple submitters, no conflicts (2 of 4 stars). 3 submissions from 3 submitters: Likely benign (3). Last evaluated 2025-07-30.

Conditions:
Cardiovascular phenotype. Identifiers: MedGen CN230736.
DK1-congenital disorder of glycosylation. Also called: CDG Im; DK1 DEFICIENCY; DOLICHOL KINASE DEFICIENCY; DK1-CDG; DOLK-congenital disorder of glycosylation; Carbohydrate deficient glycoprotein syndrome type 1m. Identifiers: Orphanet 91131, MedGen C1835849, MONDO:0012556, OMIM 610768.

Allele frequency attached by ClinVar (database versions not stated): gnomAD exomes below 0.00001; gnomAD 0.00001; TOPMed 0.00001.
gnomAD v4.1: 27 of 1,614,106 alleles (0.0017%); highest among the groups gnomAD compares: Non-Finnish European, 0.0023%; no homozygotes.

Submissions (3):

Labcorp Genetics (formerly Invitae), Labcorp
Classification: Likely benign for DK1-congenital disorder of glycosylation. Last evaluated: 2025-07-30. Review status: criteria provided, single submitter. Criteria: Invitae Variant Classification Sherloc (09022015). Collection method: clinical testing. Allele origin: germline.

Ambry Genetics
Classification: Likely benign for Cardiovascular phenotype. Last evaluated: 2024-03-22. Review status: criteria provided, single submitter. Criteria: Ambry Variant Classification Scheme 2023. Collection method: clinical testing. Allele origin: germline.

GeneDx
Classification: Likely benign. Last evaluated: 2016-11-10. Review status: criteria provided, single submitter. Criteria: GeneDx Variant Classification (06012015). Collection method: clinical testing. Allele origin: germline. Affected: yes.
Comment: This variant is considered likely benign or benign based on one or more of the following criteria: it is a conservative change, it occurs at a poorly conserved position in the protein, it is predicted to be benign by multiple in silico algorithms, and/or has population frequency not consistent with disease.

NM_014908.4(DOLK):c.1467G>T (p.Leu489=)

Gene: DOLK (dolichol kinase; minus strand). Cytogenetic location: 9q34.11.
Variant type: single nucleotide variant.
Coding change: c.1467G>T on transcript NM_014908.4 (MANE Select); coding-DNA position 1467, G replaced by T.
Protein change: p.Leu489=; no amino-acid change (leucine 489 retained).
Molecular consequence: synonymous variant.
Genome position (GRCh38, 1-based): chr9:128,945,837, C>A on the plus strand (G>T on the coding strand, the complement: DOLK is on the minus strand). VCF-style: chr9-128945837-C-A. GRCh37 (hg19) VCF-style: chr9-131708116-C-A.
Identifiers: ClinVar variation 390557 (VCV000390557.7), dbSNP rs955285603, ClinGen allele CA16605373.
Genomic context (GRCh38, chr9:128,945,837, plus strand): 5'-GGACCCCAAAATCCAAGCATAACTGTAGTTTAGGTCCACTCCACTGTCAAAGATTAAGAT[C>A]AGAGCTACAGAAATGATCTGCGCAAATATAGATGTCATGGTCCCCTCAAAAGTCTTTTTG-3'
Protein context (NP_055723.1, residues 479-499): SIFAQIISVA[Leu489=]ILIFDSGVDL